The following is an entry in ClinVar:

ClinVar aggregate classification (germline): Likely pathogenic (1 of 4 stars; one submission).

Conditions:
Gordon syndrome (DA3). Also called: Gordon's syndrome; CAMPTODACTYLY, CLEFT PALATE, AND CLUBFOOT; ARTHROGRYPOSIS MULTIPLEX CONGENITA, DISTAL, TYPE IIA. Identifiers: Orphanet 376, MedGen C0220666, MONDO:0007252, OMIM 114300.

Submission:

Institute of Human Genetics, University of Leipzig Medical Center
Classification: Likely pathogenic for Gordon syndrome. Last evaluated: 2020-01-27. Review status: criteria provided, single submitter. Criteria: ACMG Guidelines, 2015. Collection method: clinical testing. Allele origin: germline. Affected: yes. Observed: 1 variant allele.
Comment: This variant was identified as homozygous

NM_001378183.1(PIEZO2):c.1741G>T (p.Gly581Ter)

Gene: PIEZO2 (piezo type mechanosensitive ion channel component 2; minus strand). Cytogenetic location: 18p11.22.
Variant type: single nucleotide variant.
Coding change: c.1741G>T on transcript NM_001378183.1 (MANE Select); coding-DNA position 1741, G replaced by T.
Protein change: p.Gly581Ter; replaces glycine 581 with a stop codon.
Molecular consequence: nonsense.
Genome position (GRCh38, 1-based): chr18:10,794,789, C>A on the plus strand (G>T on the coding strand, the complement: PIEZO2 is on the minus strand). VCF-style: chr18-10794789-C-A. GRCh37 (hg19) VCF-style: chr18-10794787-C-A.
Other names: c.1741G>T, p.Gly581Ter (NM_022068.4); short protein forms G581*.
Identifiers: ClinVar variation 976307 (VCV000976307.1), dbSNP rs990982191, ClinGen allele CA401923792.